The following is an entry in ClinVar:

NM_001220.5(CAMK2B):c.1511C>A (p.Ser504Ter)

Gene: CAMK2B (calcium/calmodulin dependent protein kinase II beta; minus strand). Cytogenetic location: 7p13.
Variant type: single nucleotide variant.
Coding change: c.1511C>A on transcript NM_001220.5 (MANE Select); coding-DNA position 1511, C replaced by A.
Protein change: p.Ser504Ter; replaces serine 504 with a stop codon.
Molecular consequence: nonsense. On other transcripts: intron variant (8).
Genome position (GRCh38, 1-based): chr7:44,226,602, G>T on the plus strand (C>A on the coding strand, the complement: CAMK2B is on the minus strand). VCF-style: chr7-44226602-G-T. GRCh37 (hg19) VCF-style: chr7-44266201-G-T.
Other names: c.947-5701C>A (NM_172084.3); c.1150+4404C>A (NM_172080.3); c.1036+4404C>A (NM_172083.3); c.1108+4404C>A (NM_172081.3); c.1153+4404C>A (NM_172079.3, NM_172082.3); c.1225+4404C>A (NM_001293170.2, NM_172078.3); short protein forms S504*.
Identifiers: ClinVar variation 4724056 (VCV004724056.1).

ClinVar aggregate classification (germline): Uncertain significance (1 of 4 stars; one submission).

Submission:

Labcorp Genetics (formerly Invitae), Labcorp
Classification: Uncertain significance. Last evaluated: 2025-07-27. Review status: criteria provided, single submitter. Criteria: Invitae Variant Classification Sherloc (09022015). Collection method: clinical testing. Allele origin: germline.
Comment: This sequence change creates a premature translational stop signal (p.Ser504*) in the CAMK2B gene. It is expected to result in an absent or disrupted protein product. However, the current clinical and genetic evidence is not sufficient to establish whether loss-of-function variants in CAMK2B cause disease. This variant is not present in population databases (gnomAD no frequency). This variant has not been reported in the literature in individuals affected with CAMK2B-related conditions. In summary, the available evidence is currently insufficient to determine the role of this variant in disease. Therefore, it has been classified as a Variant of Uncertain Significance.